The following is an entry in ClinVar:

ClinVar aggregate classification (germline): Pathogenic/Likely pathogenic. Review status: criteria provided, multiple submitters, no conflicts (2 of 4 stars). 4 submissions from 4 submitters: Pathogenic (1); Likely pathogenic (3). Last evaluated 2023-11-04.

Conditions:
Usher syndrome type 2A. Also called: RETINAL DISEASE IN USHER SYNDROME TYPE IIA, MODIFIER OF; USHER SYNDROME, TYPE IIA. Identifiers: Orphanet 231178, Orphanet 886, MedGen C1848634, MONDO:0010169, OMIM 276901.
Retinitis pigmentosa 39 (RP39). Identifiers: Orphanet 791, MedGen C3151138, MONDO:0013436, OMIM 613809.

Allele frequency attached by ClinVar (database versions not stated): gnomAD 0.00001; TOPMed 0.00001.
gnomAD v4.1: 1 of 1,614,026 alleles (0.000062%); highest among the groups gnomAD compares: African/African-American, 0.0013%; no homozygotes.

Submissions (4):

Genome-Nilou Lab
Classification: Likely pathogenic for Usher syndrome type 2A. Last evaluated: 2023-11-04. Review status: criteria provided, single submitter. Criteria: ACMG Guidelines, 2015. Collection method: clinical testing. Allele origin: germline. Affected: no.

Baylor Genetics
Classification: Likely pathogenic for Retinitis pigmentosa 39. Last evaluated: 2023-06-25. Review status: criteria provided, single submitter. Criteria: ACMG Guidelines, 2015. Collection method: clinical testing. Allele origin: unknown.

Labcorp Genetics (formerly Invitae), Labcorp
Classification: Pathogenic. Last evaluated: 2023-02-13. Review status: criteria provided, single submitter. Criteria: Invitae Variant Classification Sherloc (09022015). Collection method: clinical testing. Allele origin: germline.
Comment: For these reasons, this variant has been classified as Pathogenic. ClinVar contains an entry for this variant (Variation ID: 561266). This variant has not been reported in the literature in individuals affected with USH2A-related conditions. This variant is not present in population databases (gnomAD no frequency). This sequence change creates a premature translational stop signal (p.Glu4051*) in the USH2A gene. It is expected to result in an absent or disrupted protein product. Loss-of-function variants in USH2A are known to be pathogenic (PMID: 10729113, 10909849, 20507924, 25649381).

GeneID Lab - Advanced Molecular Diagnostics
Classification: Likely pathogenic for Usher syndrome, type 2A. Last evaluated: 2018-03-10. Review status: criteria provided, single submitter. Criteria: ACMG Guidelines, 2015. Collection method: clinical testing. Allele origin: germline. Affected: no. Observed: 1 variant allele.
Comment: This variant creates a premature stop codon at position 4051 of the protein that could potentially result in a defective USH2A protein due to protein truncation or nonsense-mediated mRNA decay. This mutation is considered a non-tolerated amino acid change based on in silico prediction algorithms (disease causing), and it has not been reported in the ClinVar Database (NCBI National Library of Medicine, NIH, Bethesda MD), or in population databases such as ExAC or 1000 genomes. Based on these findings and the limited literature regarding this substitution we consider it as a likely pathogenic variant.

Literature cited by the submitters: PubMed 10729113 (cited by Labcorp Genetics (formerly Invitae), Labcorp); PubMed 10909849 (cited by Labcorp Genetics (formerly Invitae), Labcorp); PubMed 20507924 (cited by Labcorp Genetics (formerly Invitae), Labcorp); PubMed 25649381 (cited by Labcorp Genetics (formerly Invitae), Labcorp).

NM_206933.4(USH2A):c.12151G>T (p.Glu4051Ter)

Gene: USH2A (usherin; minus strand). Cytogenetic location: 1q41.
Variant type: single nucleotide variant.
Coding change: c.12151G>T on transcript NM_206933.4 (MANE Select); coding-DNA position 12151, G replaced by T.
Protein change: p.Glu4051Ter; replaces glutamic acid 4051 with a stop codon.
Molecular consequence: nonsense.
Genome position (GRCh38, 1-based): chr1:215,680,292, C>A on the plus strand (G>T on the coding strand, the complement: USH2A is on the minus strand). VCF-style: chr1-215680292-C-A. GRCh37 (hg19) VCF-style: chr1-215853634-C-A.
Other names: short protein forms E4051*.
Identifiers: ClinVar variation 561266 (VCV000561266.12), dbSNP rs1262416703, ClinGen allele CA344816473.